The following is an entry in ClinVar:

NM_001009944.3(PKD1):c.7281del (p.Gly2428fs)

Gene: PKD1 (polycystin 1, transient receptor potential channel interacting; minus strand). Cytogenetic location: 16p13.3.
Variant type: Deletion.
Coding change: c.7281del on transcript NM_001009944.3 (MANE Select); coding-DNA position 7281, one base deleted (A; older notation c.7281delA).
Protein change: p.Gly2428fs; shifts the reading frame from glycine 2428.
Molecular consequence: frameshift variant.
Genome position (GRCh38, 1-based): chr16:2,106,606, T deleted on the plus strand (A on the coding strand, the reverse complement: PKD1 is on the minus strand). VCF-style (leftmost placement, unchanged base first): chr16-2106605-CT-C. GRCh37 (hg19) VCF-style: chr16-2156606-CT-C.
Other names: c.7281del, p.Gly2428fs (NM_000296.4); short protein forms G2428fs.
Identifiers: ClinVar variation 4796540 (VCV004796540.1).

ClinVar aggregate classification (germline): Likely pathogenic (1 of 4 stars; one submission).

Conditions:
Polycystic kidney disease, adult type (PKD1). Also called: Polycystic Kidney, Autosomal Dominant; POLYCYSTIC KIDNEY DISEASE, ADULT, TYPE I; Polycystic Kidney Disease 1, Autosomal Dominant; Polycystic kidney disease 1; Polycystic kidney disease 1, severe; POLYCYSTIC KIDNEY DISEASE 1 WITH OR WITHOUT POLYCYSTIC LIVER DISEASE. Identifiers: MedGen C3149841, MONDO:0008263, OMIM 173900.

Submission:

Juno Genomics, Hangzhou Juno Genomics, Inc
Classification: Likely pathogenic for Polycystic kidney disease, adult type. Review status: criteria provided, single submitter. Criteria: ACMG Guidelines, 2015. Collection method: clinical testing. Allele origin: germline. Affected: yes.
Comment: Absent from controls (or at extremely low frequency if recessive) in Genome Aggregation Database, Exome Sequencing Project, 1000 Genomes Project, or Exome Aggregation Consortium.;Null variant in a gene where loss of function (LOF) is a known mechanism of disease.